The following is an entry in ClinVar:

ClinVar aggregate classification (germline): Likely benign. Review status: criteria provided, multiple submitters, no conflicts (2 of 4 stars). 3 submissions from 3 submitters: Likely benign (3). Last evaluated 2025-11-23.

Conditions:
Epidermolysis bullosa simplex, Ogna type (EBS5A). Also called: Pidermolysis bullosa simplex 5A, Ogna type; EPIDERMOLYSIS BULLOSA SIMPLEX 5A, OGNA TYPE. Identifiers: Orphanet 79401, MedGen C0432317, MONDO:0007555, OMIM 131950.
Epidermolysis bullosa simplex 5B, with muscular dystrophy (EBS5B). Also called: Epidermolysis bullosa simplex with muscular dystrophy; EPIDERMOLYSIS BULLOSA SIMPLEX AND LIMB-GIRDLE MUSCULAR DYSTROPHY. Identifiers: Orphanet 257, MedGen C2931072, MONDO:0009181, OMIM 226670.
Epidermolysis bullosa simplex 5C, with pyloric atresia (EBS5C). Also called: PLEC-Related Epidermolysis Bullosa with Pyloric Atresia; Epidermolysis bullosa simplex with pyloric atresia; PLEC1-Related Epidermolysis Bullosa with Pyloric Atresia. Identifiers: Orphanet 158684, MedGen C2677349, MONDO:0012807, OMIM 612138.
Autosomal recessive limb-girdle muscular dystrophy type 2Q (LGMDR17). Also called: MUSCULAR DYSTROPHY, LIMB-GIRDLE, AUTOSOMAL RECESSIVE 17. Identifiers: Orphanet 254361, MedGen C3150989, MONDO:0013390, OMIM 613723.
Epidermolysis bullosa simplex with nail dystrophy (EBS5D). Identifiers: MedGen C4225309, MONDO:0014661, OMIM 616487.

Allele frequency attached by ClinVar (database versions not stated): ESP Exome Variant Server 0.00008; gnomAD exomes 0.00008; ExAC 0.00009; gnomAD 0.00012 and 0.00015; TOPMed 0.00031.
gnomAD v4.1: 91 of 1,595,112 alleles (0.0057%); highest among the groups gnomAD compares: Admixed American, 0.024%; no homozygotes.

Submissions (3):

Labcorp Genetics (formerly Invitae), Labcorp
Classification: Likely benign for Autosomal recessive limb-girdle muscular dystrophy type 2Q; Epidermolysis bullosa simplex, Ogna type; Epidermolysis bullosa simplex with nail dystrophy; Epidermolysis bullosa simplex 5C, with pyloric atresia; Epidermolysis bullosa simplex 5B, with muscular dystrophy. Last evaluated: 2025-11-23. Review status: criteria provided, single submitter. Criteria: Invitae Variant Classification Sherloc (09022015). Collection method: clinical testing. Allele origin: germline.

CeGaT Center for Human Genetics Tuebingen
Classification: Likely benign. Last evaluated: 2025-11-01. Review status: criteria provided, single submitter. Criteria: CeGaT Center For Human Genetics Tuebingen Variant Classification Criteria Version 2. Collection method: clinical testing. Allele origin: germline. Affected: yes. Observed: 1 variant allele.
Comment: PLEC: BP4, BP7

Blueprint Genetics
Classification: Likely benign. Last evaluated: 2024-08-09. Review status: criteria provided, single submitter. Criteria: ACMG Guidelines, 2015. Collection method: clinical testing. Allele origin: germline.

NM_201384.3(PLEC):c.9468C>T (p.Val3156=)

Gene: PLEC (plectin; minus strand). Cytogenetic location: 8q24.3.
Variant type: single nucleotide variant.
Coding change: c.9468C>T on transcript NM_201384.3 (MANE Select); coding-DNA position 9468, C replaced by T.
Protein change: p.Val3156=; no amino-acid change (valine 3156 retained).
Molecular consequence: synonymous variant.
Genome position (GRCh38, 1-based): chr8:143,920,353, G>A on the plus strand (C>T on the coding strand, the complement: PLEC is on the minus strand). VCF-style: chr8-143920353-G-A. GRCh37 (hg19) VCF-style: chr8-144994521-G-A.
Other names: c.9549C>T, p.Val3183= (NM_000445.5); c.9426C>T, p.Val3142= (NM_201378.4); c.9402C>T, p.Val3134= (NM_201379.3); c.9879C>T, p.Val3293= (NM_201380.4); c.9372C>T, p.Val3124= (NM_201381.3); c.9468C>T, p.Val3156= (NM_201382.4); c.9480C>T, p.Val3160= (NM_201383.3).
Identifiers: ClinVar variation 703124 (VCV000703124.18), dbSNP rs372844056, ClinGen allele CA4924962.